The following is an entry in ClinVar:

NM_016222.4(DDX41):c.821A>G (p.His274Arg)

Gene: DDX41 (DEAD-box helicase 41; minus strand). Cytogenetic location: 5q35.3.
Variant type: single nucleotide variant.
Coding change: c.821A>G on transcript NM_016222.4 (MANE Select); coding-DNA position 821, A replaced by G.
Protein change: p.His274Arg; replaces histidine 274 with arginine.
Molecular consequence: missense variant.
Genome position (GRCh38, 1-based): chr5:177,514,815, T>C on the plus strand (A>G on the coding strand, the complement: DDX41 is on the minus strand). VCF-style: chr5-177514815-T-C. GRCh37 (hg19) VCF-style: chr5-176941816-T-C.
Other names: c.443A>G, p.His148Arg (NM_001321732.2, NM_001321830.2); short protein forms H148R, H274R.
Identifiers: ClinVar variation 4010241 (VCV004010241.1).

ClinVar aggregate classification (germline): Uncertain significance (1 of 4 stars; one submission).

Conditions:
Inborn genetic diseases. Identifiers: MedGen C0950123, MeSH D030342.

gnomAD v4.1: 9 of 1,612,236 alleles (0.00056%); highest among the groups gnomAD compares: East Asian, 0.0045%; no homozygotes.

Submission:

Ambry Genetics
Classification: Uncertain significance for Inborn genetic diseases. Last evaluated: 2025-04-16. Review status: criteria provided, single submitter. Criteria: Ambry Variant Classification Scheme 2023. Collection method: clinical testing. Allele origin: germline.
Comment: The p.H274R variant (also known as c.821A>G), located in coding exon 9 of the DDX41 gene, results from an A to G substitution at nucleotide position 821. The histidine at codon 274 is replaced by arginine, an amino acid with highly similar properties. This amino acid position is highly conserved in available vertebrate species. In addition, this alteration is predicted to be tolerated by in silico analysis. Based on the available evidence, the clinical significance of this variant remains unclear.